The following is an entry in ClinVar:

NM_001199753.2(CPT1C):c.2133+3G>A

Gene: CPT1C (carnitine palmitoyltransferase 1C; plus strand). Cytogenetic location: 19q13.33.
Variant type: single nucleotide variant.
Coding change: c.2133+3G>A on transcript NM_001199753.2 (MANE Select); 3 bases into the intron after coding-DNA position 2133, G replaced by A.
Molecular consequence: intron variant.
Genome position (GRCh38, 1-based): chr19:49,712,852, G>A. VCF-style: chr19-49712852-G-A. GRCh37 (hg19) VCF-style: chr19-50216109-G-A.
Other names: c.2100+3G>A (NM_001378485.1, NM_001136052.3); c.2133+3G>A (NM_001378483.1, NM_001199752.3, NM_152359.3 and 1 more transcripts); c.1998+3G>A (NM_001378486.1, NM_001378488.1); c.2199+3G>A (NM_001378482.1); c.1965+3G>A (NM_001378487.1).
Identifiers: ClinVar variation 2152865 (VCV002152865.4), dbSNP rs774428270, ClinGen allele CA9582419.

ClinVar aggregate classification (germline): Uncertain significance (1 of 4 stars; one submission).

Conditions:
Hereditary spastic paraplegia 73. Also called: Spastic paraplegia 73, autosomal dominant. Identifiers: Orphanet 444099, MedGen C5568981, MONDO:0014568, OMIM 616282.

Allele frequency attached by ClinVar (database versions not stated): ExAC 0.00002.

Submission:

Labcorp Genetics (formerly Invitae), Labcorp
Classification: Uncertain significance for Hereditary spastic paraplegia 73. Last evaluated: 2022-10-08. Review status: criteria provided, single submitter. Criteria: Invitae Variant Classification Sherloc (09022015). Collection method: clinical testing. Allele origin: germline.
Comment: This sequence change falls in intron 18 of the CPT1C gene. It does not directly change the encoded amino acid sequence of the CPT1C protein. It affects a nucleotide within the consensus splice site. In summary, the available evidence is currently insufficient to determine the role of this variant in disease. Therefore, it has been classified as a Variant of Uncertain Significance. Variants that disrupt the consensus splice site are a relatively common cause of aberrant splicing (PMID: 17576681, 9536098). Algorithms developed to predict the effect of sequence changes on RNA splicing suggest that this variant is not likely to affect RNA splicing. This variant has not been reported in the literature in individuals affected with CPT1C-related conditions. This variant is present in population databases (rs774428270, gnomAD 0.01%).

Literature cited by the submitters: PubMed 17576681; PubMed 9536098.